The following is an entry in ClinVar:

ClinVar aggregate classification (germline): Uncertain significance. Review status: criteria provided, multiple submitters, no conflicts (2 of 4 stars). 3 submissions from 3 submitters: Uncertain significance (3). Last evaluated 2025-04-29.

Submissions (3):

Mayo Clinic Laboratories, Mayo Clinic
Classification: Uncertain significance. Last evaluated: 2025-04-29. Review status: criteria provided, single submitter. Criteria: ACMG Guidelines, 2015. Collection method: clinical testing. Allele origin: germline. Observed: 1 variant allele.
Comment: PM4

Labcorp Genetics (formerly Invitae), Labcorp
Classification: Uncertain significance. Last evaluated: 2023-11-22. Review status: criteria provided, single submitter. Criteria: Invitae Variant Classification Sherloc (09022015). Collection method: clinical testing. Allele origin: germline.
Comment: This variant, c.2814_2819del, results in the deletion of 2 amino acid(s) of the CSF1R protein (p.Ser939_Ser940del), but otherwise preserves the integrity of the reading frame. This variant is present in population databases (rs758355544, gnomAD 0.002%). This variant has not been reported in the literature in individuals affected with CSF1R-related conditions. Experimental studies and prediction algorithms are not available or were not evaluated, and the functional significance of this variant is currently unknown. In summary, the available evidence is currently insufficient to determine the role of this variant in disease. Therefore, it has been classified as a Variant of Uncertain Significance.

Breakthrough Genomics
Classification: Uncertain significance. Review status: criteria provided, single submitter. Criteria: ACMG Guidelines, 2015. Collection method: not provided. Allele origin: germline. Inheritance: Autosomal recessive inheritance. Affected: yes.

NM_001288705.3(CSF1R):c.2808CAG[2] (p.Ser939_Ser940del)

Gene: CSF1R (colony stimulating factor 1 receptor; minus strand). Cytogenetic location: 5q32.
Variant type: Microsatellite.
Coding change: c.2808CAG[2] on transcript NM_001288705.3 (MANE Select); two copies in a row of the 3-base unit CAG starting at c.2808; the reference has four copies in a row; two copies, 6 bases deleted.
Protein change: p.Ser939_Ser940del.
Molecular consequence: inframe deletion. On other transcripts: non-coding transcript variant (2).
Genome position (GRCh38, 1-based): chr5:150,054,169-150,054,174, CTGCTG deleted on the plus strand (CAGCAG on the coding strand, the reverse complement: CSF1R is on the minus strand); deleting any 6 consecutive bases within chr5:150,054,169-150,054,181 gives the same sequence; the position shown is the placement nearest the transcript's 3' end. VCF-style (leftmost placement, unchanged base first): chr5-150054168-ACTGCTG-A. GRCh37 (hg19) VCF-style: chr5-149433731-ACTGCTG-A.
Other names: p.Ser939_Ser940del; c.2808CAG[2], p.Ser939_Ser940del (NM_001349736.2, NM_001375320.1, NM_005211.4); c.2364CAG[2], p.Ser791_Ser792del (NM_001375321.1); c.2814_2819del (NM_005211.3).
Identifiers: ClinVar variation 1481569 (VCV001481569.10), dbSNP rs752687225, ClinGen allele CA3506315.
Genomic context (GRCh38, chr5:150,054,168, plus strand): 5'-GGCGATATCCCCTTGCTCGCAGCAGGTCAGGTGCTCACTAGAGCTCTCCTCCTCCAGCTC[ACTGCTG>A]CTGCTGCCGCTGCCACCGCTTCTGCTGCTGCTCGGCAGATTGGTATAGTCCTGAGGGTGG-3'